The following is an entry in ClinVar:

ClinVar aggregate classification (germline): Uncertain significance (1 of 4 stars; one submission).

Conditions:
Hereditary cancer-predisposing syndrome. Also called: Tumor predisposition; Neoplastic Syndromes, Hereditary; Hereditary neoplastic syndrome; Hereditary Cancer Syndrome. Identifiers: Orphanet 140162, MedGen C0027672, MeSH D009386, MONDO:0015356.

Submission:

Ambry Genetics
Classification: Uncertain significance for Hereditary cancer-predisposing syndrome. Last evaluated: 2025-09-06. Review status: criteria provided, single submitter. Criteria: Ambry Variant Classification Scheme 2023. Collection method: clinical testing. Allele origin: germline.
Comment: The p.L967P variant (also known as c.2900T>C), located in coding exon 12 of the MET gene, results from a T to C substitution at nucleotide position 2900. The leucine at codon 967 is replaced by proline, an amino acid with similar properties. This amino acid position is conserved. In addition, the in silico prediction for this alteration is inconclusive. Based on the available evidence, the clinical significance of this variant remains unclear.

NM_000245.4(MET):c.2846T>C (p.Leu949Pro)

Gene: MET (MET proto-oncogene, receptor tyrosine kinase; plus strand). Cytogenetic location: 7q31.2.
Variant type: single nucleotide variant.
Coding change: c.2846T>C on transcript NM_000245.4 (MANE Select); coding-DNA position 2846, T replaced by C.
Protein change: p.Leu949Pro; replaces leucine 949 with proline.
Molecular consequence: missense variant.
Genome position (GRCh38, 1-based): chr7:116,771,613, T>C. VCF-style: chr7-116771613-T-C. GRCh37 (hg19) VCF-style: chr7-116411667-T-C.
Other names: c.2900T>C, p.Leu967Pro (NM_001127500.3); c.1556T>C, p.Leu519Pro (NM_001324402.2); short protein forms L519P, L967P, L949P.
Identifiers: ClinVar variation 4106812 (VCV004106812.1).